The following is an entry in ClinVar:

ClinVar aggregate classification (germline): Uncertain significance. Review status: criteria provided, multiple submitters, no conflicts (2 of 4 stars). 5 submissions from 5 submitters: Uncertain significance (4). 1 of the submissions does not count toward it. Last evaluated 2025-11-11.

Conditions:
Dyskeratosis congenita, autosomal dominant 2. Identifiers: MedGen C3151443, MONDO:0013521, OMIM 613989.
TERT-related disorder. Also called: TERT-related disorders; TERT-related condition.
Idiopathic Pulmonary Fibrosis. Also called: Idiopathic fibrosing alveolitis, chronic form; idiopathic fibrosing alveolitis. Identifiers: Orphanet 2032, MedGen C1800706, MeSH D054990, MONDO:0800504.
Dyskeratosis congenita. Identifiers: Orphanet 1775, MedGen C0265965, MONDO:0015780.

Allele frequency attached by ClinVar (database versions not stated): TOPMed below 0.00001; gnomAD 0.00001.
gnomAD v4.1: 3 of 1,614,066 alleles (0.00019%); highest among the groups gnomAD compares: South Asian, 0.0011%; no homozygotes.

Submissions (5):

Labcorp Genetics (formerly Invitae), Labcorp
Classification: Uncertain significance for Dyskeratosis congenita, autosomal dominant 2; Idiopathic Pulmonary Fibrosis. Last evaluated: 2025-11-11. Review status: criteria provided, single submitter. Criteria: Invitae Variant Classification Sherloc (09022015). Collection method: clinical testing. Allele origin: germline.
Comment: This sequence change replaces threonine, which is neutral and polar, with methionine, which is neutral and non-polar, at codon 738 of the TERT protein (p.Thr738Met). This variant is not present in population databases (gnomAD no frequency). This variant has not been reported in the literature in individuals affected with TERT-related conditions. ClinVar contains an entry for this variant (Variation ID: 854002). Invitae Evidence Modeling of protein sequence and biophysical properties (such as structural, functional, and spatial information, amino acid conservation, physicochemical variation, residue mobility, and thermodynamic stability) indicates that this missense variant is not expected to disrupt TERT protein function with a negative predictive value of 95%. In summary, the available evidence is currently insufficient to determine the role of this variant in disease. Therefore, it has been classified as a Variant of Uncertain Significance.

GeneDx
Classification: Uncertain significance. Last evaluated: 2025-06-11. Review status: criteria provided, single submitter. Criteria: GeneDx Variant Classification Process June 2021. Collection method: clinical testing. Allele origin: germline.
Comment: In silico analysis suggests that this missense variant does not alter protein structure/function; Not observed at significant frequency in large population cohorts (gnomAD); This variant is associated with the following publications: (PMID: 39037376, 39252519)

Baylor Genetics
Classification: Uncertain significance for Dyskeratosis congenita, autosomal dominant 2. Last evaluated: 2023-08-01. Review status: criteria provided, single submitter. Criteria: ACMG Guidelines, 2015. Collection method: clinical testing. Allele origin: unknown.

Ambry Genetics
Classification: Uncertain significance for Dyskeratosis congenita. Last evaluated: 2022-05-09. Review status: criteria provided, single submitter. Criteria: Ambry Variant Classification Scheme 2023. Collection method: clinical testing. Allele origin: germline.
Comment: The p.T738M variant (also known as c.2213C>T), located in coding exon 6 of the TERT gene, results from a C to T substitution at nucleotide position 2213. The threonine at codon 738 is replaced by methionine, an amino acid with similar properties. This amino acid position is conserved. In addition, this alteration is predicted to be tolerated by in silico analysis. Since supporting evidence is limited at this time, the clinical significance of this alteration remains unclear.

PreventionGenetics, part of Exact Sciences
Classification: Uncertain significance for TERT-related condition. Last evaluated: 2024-04-13. Review status: no assertion criteria provided. Collection method: clinical testing. Allele origin: germline. Not counted in ClinVar's aggregate classification.
Comment: The TERT c.2213C>T variant is predicted to result in the amino acid substitution p.Thr738Met. To our knowledge, this variant has not been reported in the literature or in a large population database, indicating this variant is rare. At this time, the clinical significance of this variant is uncertain due to the absence of conclusive functional and genetic evidence.

NM_198253.3(TERT):c.2213C>T (p.Thr738Met)

Gene: TERT (telomerase reverse transcriptase; minus strand). Cytogenetic location: 5p15.33.
Variant type: single nucleotide variant.
Coding change: c.2213C>T on transcript NM_198253.3 (MANE Select); coding-DNA position 2213, C replaced by T.
Protein change: p.Thr738Met; replaces threonine 738 with methionine.
Molecular consequence: missense variant. On other transcripts: non-coding transcript variant (2).
Genome position (GRCh38, 1-based): chr5:1,278,714, G>A on the plus strand (C>T on the coding strand, the complement: TERT is on the minus strand). VCF-style: chr5-1278714-G-A. GRCh37 (hg19) VCF-style: chr5-1278829-G-A.
Other names: c.2213C>T, p.Thr738Met (NM_001193376.3); short protein forms T738M.
Identifiers: ClinVar variation 854002 (VCV000854002.14), dbSNP rs1749789095, ClinGen allele CA359079294.
Genomic context (GRCh38, chr5:1,278,714, plus strand): 5'-GCCTTGCGGACGTGCCCATGGGCGGCCTTCTGGACCACGGCATACCGACGCACGCAGTAC[G>A]TGTTCTGGGGTTTGATGATGCTGGCGATGACCTCCGTGAGCCTGTCCTGGGGGATGGTGT-3'
Protein context (NP_937983.2, residues 728-748): VIASIIKPQN[Thr738Met]YCVRRYAVVQ